The following is an entry in ClinVar:

ClinVar aggregate classification (germline): Pathogenic (1 of 4 stars; one submission).

Submission:

Labcorp Genetics (formerly Invitae), Labcorp
Classification: Pathogenic. Last evaluated: 2021-03-22. Review status: criteria provided, single submitter. Criteria: Invitae Variant Classification Sherloc (09022015). Collection method: clinical testing. Allele origin: germline.
Comment: This variant has not been reported in the literature in individuals with LOXHD1-related conditions. This variant is not present in population databases (ExAC no frequency). This sequence change creates a premature translational stop signal (p.Val307Serfs*52) in the LOXHD1 gene. It is expected to result in an absent or disrupted protein product. Loss-of-function variants in LOXHD1 are known to be pathogenic (PMID: 19732867, 21465660, 25792669). For these reasons, this variant has been classified as Pathogenic.

Literature cited by the submitters: PubMed 19732867; PubMed 21465660; PubMed 25792669.

NM_001384474.1(LOXHD1):c.919del (p.Val307fs)

Gene: LOXHD1 (lipoxygenase homology PLAT domains 1; minus strand). Cytogenetic location: 18q21.1.
Variant type: Deletion.
Coding change: c.919del on transcript NM_001384474.1 (MANE Select); coding-DNA position 919, one base deleted (G; older notation c.919delG).
Protein change: p.Val307fs; shifts the reading frame from valine 307.
Molecular consequence: frameshift variant.
Genome position (GRCh38, 1-based): chr18:46,601,432, C deleted on the plus strand (G on the coding strand, the reverse complement: LOXHD1 is on the minus strand). VCF-style (leftmost placement, unchanged base first): chr18-46601431-AC-A. GRCh37 (hg19) VCF-style: chr18-44181394-AC-A.
Other names: c.919del, p.Val307fs (NM_144612.7); short protein forms V307fs.
Identifiers: ClinVar variation 1393232 (VCV001393232.6), dbSNP rs2144284524, ClinGen allele CA2573155318.
Genomic context (GRCh38, chr18:46,601,431, plus strand): 5'-TTATTCCCTCTGGCCCCATACATGACCAAGTAGATTTTGGATTTGGTACCAGCCCCCCGG[AC>A]ATCCCCAGTGAAGACGGTGACAATATACGTAATAGCTGGTGTGGAAACAACAGGAAAGAG-3'